The following is an entry in ClinVar:

NM_000687.4(AHCY):c.172G>T (p.Val58Leu)

Gene: AHCY (adenosylhomocysteinase; minus strand). Cytogenetic location: 20q11.22.
Variant type: single nucleotide variant.
Coding change: c.172G>T on transcript NM_000687.4 (MANE Select); coding-DNA position 172, G replaced by T.
Protein change: p.Val58Leu; replaces valine 58 with leucine.
Molecular consequence: missense variant.
Genome position (GRCh38, 1-based): chr20:34,295,442, C>A on the plus strand (G>T on the coding strand, the complement: AHCY is on the minus strand). VCF-style: chr20-34295442-C-A. GRCh37 (hg19) VCF-style: chr20-32883248-C-A.
Other names: c.88G>T, p.Val30Leu (NM_001161766.2, NM_001322084.2, NM_001322085.2); c.178G>T, p.Val60Leu (NM_001322086.2); c.172G>T, p.Val58Leu (NM_001362750.2); c.172G>T (NM_000687.2); short protein forms V30L, V58L, V60L.
Identifiers: ClinVar variation 1713893 (VCV001713893.6), dbSNP rs751771176, ClinGen allele CA408660841.

ClinVar aggregate classification (germline): Uncertain significance. Review status: criteria provided, multiple submitters, no conflicts (2 of 4 stars). 2 submissions from 2 submitters: Uncertain significance (2). Last evaluated 2025-06-04.

Conditions:
Inborn genetic diseases. Identifiers: MedGen C0950123, MeSH D030342.
Hypermethioninemia with deficiency of S-adenosylhomocysteine hydrolase. Identifiers: Orphanet 88618, MedGen C3151058, MONDO:0013404, OMIM 613752.

Submissions (2):

Ambry Genetics
Classification: Uncertain significance for Inborn genetic diseases. Last evaluated: 2025-06-04. Review status: criteria provided, single submitter. Criteria: Ambry Variant Classification Scheme 2023. Collection method: clinical testing. Allele origin: germline.

Labcorp Genetics (formerly Invitae), Labcorp
Classification: Uncertain significance for Hypermethioninemia with deficiency of S-adenosylhomocysteine hydrolase. Last evaluated: 2022-08-13. Review status: criteria provided, single submitter. Criteria: Invitae Variant Classification Sherloc (09022015). Collection method: clinical testing. Allele origin: germline.
Comment: In summary, the available evidence is currently insufficient to determine the role of this variant in disease. Therefore, it has been classified as a Variant of Uncertain Significance. Algorithms developed to predict the effect of missense changes on protein structure and function are either unavailable or do not agree on the potential impact of this missense change (SIFT: "Not Available"; PolyPhen-2: "Benign"; Align-GVGD: "Not Available"). This variant has not been reported in the literature in individuals affected with AHCY-related conditions. This variant is not present in population databases (gnomAD no frequency). This sequence change replaces valine, which is neutral and non-polar, with leucine, which is neutral and non-polar, at codon 58 of the AHCY protein (p.Val58Leu).